The following is an entry in ClinVar:

NM_001083603.3(PTCH1):c.95C>T (p.Thr32Ile)

Gene: PTCH1 (patched 1; minus strand). Cytogenetic location: 9q22.32.
Variant type: single nucleotide variant.
Coding change: c.95C>T on transcript NM_001083603.3 (MANE Plus Clinical); coding-DNA position 95, C replaced by T.
Protein change: p.Thr32Ile; replaces threonine 32 with isoleucine.
Molecular consequence: missense variant. On other transcripts: genic upstream transcript variant (1), 5 prime UTR variant (2).
Genome position (GRCh38, 1-based): chr9:95,516,726, G>A on the plus strand (C>T on the coding strand, the complement: PTCH1 is on the minus strand). VCF-style: chr9-95516726-G-A. GRCh37 (hg19) VCF-style: chr9-98279008-G-A.
Other names: c.-8365C>T (NM_000264.5); c.-255C>T (NM_001083602.3, NM_001354919.2); short protein forms T32I.
Identifiers: ClinVar variation 2637685 (VCV002637685.1), dbSNP rs1339622636, ClinGen allele CA374124478.
Genomic context (GRCh38, chr9:95,516,726, plus strand): 5'-TCTCCTCCGTTTTCTTCTTCTTCTTCTCCTCCTCCTCCGTCTTTACAAAAGGAACGGAAA[G>A]TGTAAAAACCCCGGCGCGCTGGGCCGCCGGAGGCTTTCGGCGGAGTGCAGCGCGGACTCA-3'
Protein context (NP_001077072.1, residues 22-42): SGGPARRGFY[Thr32Ile]FRSFCKDGGG

ClinVar aggregate classification (germline): Uncertain significance (1 of 4 stars; one submission).

Allele frequency attached by ClinVar (database versions not stated): gnomAD exomes 0.00001.
gnomAD v4.1: 12 of 1,613,260 alleles (0.00074%); highest among the groups gnomAD compares: Admixed American, 0.0017%; no homozygotes.

Submission:

Women's Health and Genetics/Laboratory Corporation of America, LabCorp
Classification: Uncertain significance. Last evaluated: 2023-10-12. Review status: criteria provided, single submitter. Criteria: LabCorp Variant Classification Summary - May 2015. Collection method: clinical testing. Allele origin: germline.
Comment: Variant summary: PTCH1 c.-8365C>T is located in the untranscribed region upstream of the PTCH1 gene region. The variant allele was found at a frequency of 4e-06 in 248318 control chromosomes (gnomAD). The available data on variant occurrences in the general population are insufficient to allow any conclusion about variant significance. To our knowledge, no occurrence of c.-8365C>T in individuals affected with Nevoid Basal Cell Carcinoma Syndrome (Gorlin Syndrome) and no experimental evidence demonstrating its impact on protein function have been reported. No submitters have cited clinical-significance assessments for this variant to ClinVar after 2014. Based on the evidence outlined above, the variant was classified as uncertain significance.